The following is an entry in ClinVar:

NM_000512.5(GALNS):c.567-1G>T

Gene: GALNS (galactosamine (N-acetyl)-6-sulfatase; minus strand). Cytogenetic location: 16q24.3.
Variant type: single nucleotide variant.
Coding change: c.567-1G>T on transcript NM_000512.5 (MANE Select); the canonical splice acceptor site of the intron before coding-DNA position 567, G replaced by T.
Molecular consequence: splice acceptor variant.
Genome position (GRCh38, 1-based): chr16:88,836,268, C>A on the plus strand (G>T on the coding strand, the complement: GALNS is on the minus strand). VCF-style: chr16-88836268-C-A. GRCh37 (hg19) VCF-style: chr16-88902676-C-A.
Other names: c.12-1G>T (NM_001323543.2); c.585-1G>T (NM_001323544.2).
Identifiers: ClinVar variation 1048412 (VCV001048412.3), dbSNP rs143428106, ClinGen allele CA286403290.

ClinVar aggregate classification (germline): Pathogenic (1 of 4 stars; one submission).

Conditions:
Mucopolysaccharidosis, MPS-IV-A (MPS4A). Also called: Mucopolysaccharidosis type IV A; Mucopolysaccharidosis Type IVA; Morquio syndrome A, mild; MORQUIO SYNDROME A; MPS IVA; mucopolysaccharidosis type 4A. Identifiers: Orphanet 309297, Orphanet 582, MedGen C0086651, MONDO:0009659, OMIM 253000.

Allele frequency attached by ClinVar (database versions not stated): gnomAD exomes below 0.00001; ESP Exome Variant Server 0.00008.
gnomAD v4.1: 1 of 1,610,778 alleles (0.000062%); highest among the groups gnomAD compares: Non-Finnish European, 0.000085%; no homozygotes.

Submission:

Laboratory of Diagnosis and Therapy of Lysosomal Disorders, University of Padova
Classification: Pathogenic for Mucopolysaccharidosis, MPS-IV-A. Last evaluated: 2021-02-01. Review status: criteria provided, single submitter. Criteria: ACMG Guidelines, 2015. Collection method: curation. Allele origin: germline. Affected: yes.
Comment: Splicing variant (PVS1_very strong); in vitro functional studies supportive of a damaging effect on the gene product (RNA studies; PS3_supporting); the prevalence of the variant in affected individuals is significantly increased compared with the prevalence in controls (PS4_supporting); very low frequency in gnomAD v2.1.1 (PM2_moderate)

Literature cited by the submitters: PubMed 20574428; PubMed 34387910.